The following is an entry in ClinVar:

NM_022367.4(SEMA4A):c.224C>G (p.Thr75Ser)

Gene: SEMA4A (semaphorin 4A; plus strand). Cytogenetic location: 1q22.
Variant type: single nucleotide variant.
Coding change: c.224C>G on transcript NM_022367.4 (MANE Select); coding-DNA position 224, C replaced by G.
Protein change: p.Thr75Ser; replaces threonine 75 with serine.
Molecular consequence: missense variant. On other transcripts: 5 prime UTR variant (4).
Genome position (GRCh38, 1-based): chr1:156,156,498, C>G. VCF-style: chr1-156156498-C-G. GRCh37 (hg19) VCF-style: chr1-156126289-C-G.
Other names: c.224C>G, p.Thr75Ser (NM_001193300.2, NM_001193301.2, NM_001370567.1); c.-74C>G (NM_001193302.2, NM_001370568.1); c.-301C>G (NM_001370569.1, NM_001370571.1); short protein forms T75S.
Identifiers: ClinVar variation 730955 (VCV000730955.14), dbSNP rs768178231, ClinGen allele CA1154949.

ClinVar aggregate classification (germline): Likely benign. Review status: criteria provided, multiple submitters, no conflicts (2 of 4 stars). 3 submissions from 3 submitters: Likely benign (3). Last evaluated 2026-07-29.

Conditions:
SEMA4A-related disorder. Also called: SEMA4A-related condition.

Allele frequency attached by ClinVar (database versions not stated): gnomAD 0.00002; gnomAD exomes 0.00014 and 0.00028; TOPMed 0.00022; ExAC 0.00026.
gnomAD v4.1: 86 of 1,614,058 alleles (0.0053%); highest among the groups gnomAD compares: Admixed American, 0.14%; no homozygotes.

Submissions (3):

PreventionGenetics, part of Exact Sciences
Classification: Likely benign for SEMA4A-related condition. Last evaluated: 2026-07-29. Review status: criteria provided, single submitter. Criteria: ACMG Guidelines, 2015. Collection method: clinical testing. Allele origin: germline.
Comment: This variant is classified as likely benign based on ACMG/AMP sequence variant interpretation guidelines (Richards et al. 2015 PMID: 25741868, with internal and published modifications).

Labcorp Genetics (formerly Invitae), Labcorp
Classification: Likely benign. Last evaluated: 2026-01-11. Review status: criteria provided, single submitter. Criteria: Invitae Variant Classification Sherloc (09022015). Collection method: clinical testing. Allele origin: germline.

Blueprint Genetics
Classification: Likely benign. Last evaluated: 2022-09-20. Review status: criteria provided, single submitter. Criteria: ACMG Guidelines, 2015. Collection method: clinical testing. Allele origin: germline.